The following is an entry in ClinVar:

ClinVar aggregate classification (germline): Benign/Likely benign. Review status: criteria provided, multiple submitters, no conflicts (2 of 4 stars). 3 submissions from 3 submitters: Benign (2); Likely benign (1). Last evaluated 2026-06-30.

Conditions:
CEP19-related disorder. Also called: CEP19-related condition.
Obesity due to CEP19 deficiency. Also called: Morbid obesity and spermatogenic failure. Identifiers: Orphanet 397615, MedGen C3810324, MONDO:0014309, OMIM 615703.

Allele frequency attached by ClinVar (database versions not stated): ESP Exome Variant Server 0.00008; gnomAD 0.00013 and 0.00048; TOPMed 0.00034; gnomAD exomes 0.00083 and 0.00174; ExAC 0.00210; 1000 Genomes Project 30x 0.00234; 1000 Genomes Project 0.00260.
gnomAD v4.1: 1,310 of 1,613,346 alleles (0.081%); highest among the groups gnomAD compares: South Asian, 1.1%; 22 homozygotes.

Submissions (3):

PreventionGenetics, part of Exact Sciences
Classification: Likely benign for CEP19-related condition. Last evaluated: 2026-06-30. Review status: criteria provided, single submitter. Criteria: ACMG Guidelines, 2015. Collection method: clinical testing. Allele origin: germline.
Comment: This variant is classified as likely benign based on ACMG/AMP sequence variant interpretation guidelines (Richards et al. 2015 PMID: 25741868, with internal and published modifications).

Labcorp Genetics (formerly Invitae), Labcorp
Classification: Benign. Last evaluated: 2026-01-26. Review status: criteria provided, single submitter. Criteria: Invitae Variant Classification Sherloc (09022015). Collection method: clinical testing. Allele origin: germline.

Dubai Health Genomic Medicine Center, Dubai Health
Classification: Benign for Obesity due to CEP19 deficiency. Last evaluated: 2020-01-06. Review status: criteria provided, single submitter. Criteria: ACMG Guidelines, 2015. Collection method: clinical testing. Allele origin: germline. Affected: yes.

NM_032898.5(CEP19):c.-11T>C

Gene: CEP19 (centrosomal protein 19; minus strand). Cytogenetic location: 3q29.
Variant type: single nucleotide variant.
Coding change: c.-11T>C on transcript NM_032898.5 (MANE Select); 11 bases upstream of the start codon, T replaced by C.
Molecular consequence: 5 prime UTR variant.
Genome position (GRCh38, 1-based): chr3:196,708,668, A>G on the plus strand (T>C on the coding strand, the complement: CEP19 is on the minus strand). VCF-style: chr3-196708668-A-G. GRCh37 (hg19) VCF-style: chr3-196435539-A-G.
Identifiers: ClinVar variation 761411 (VCV000761411.13), dbSNP rs147719730, ClinGen allele CA2782185.